The following is an entry in ClinVar:

ClinVar aggregate classification (germline): Uncertain significance (1 of 4 stars; one submission).

Submission:

GeneDx
Classification: Uncertain significance. Last evaluated: 2023-07-07. Review status: criteria provided, single submitter. Criteria: GeneDx Variant Classification Process June 2021. Collection method: clinical testing. Allele origin: germline. Affected: yes.
Comment: Not observed at significant frequency in large population cohorts (gnomAD); In silico analysis supports that this missense variant has a deleterious effect on protein structure/function; Has not been previously published as pathogenic or benign to our knowledge

NM_001170629.2(CHD8):c.2689C>A (p.Gln897Lys)

Gene: CHD8 (chromodomain helicase DNA binding protein 8; minus strand). Cytogenetic location: 14q11.2.
Variant type: single nucleotide variant.
Coding change: c.2689C>A on transcript NM_001170629.2 (MANE Select); coding-DNA position 2689, C replaced by A.
Protein change: p.Gln897Lys; replaces glutamine 897 with lysine.
Molecular consequence: missense variant.
Genome position (GRCh38, 1-based): chr14:21,408,353, G>T on the plus strand (C>A on the coding strand, the complement: CHD8 is on the minus strand). VCF-style: chr14-21408353-G-T. GRCh37 (hg19) VCF-style: chr14-21876512-G-T.
Other names: c.1852C>A, p.Gln618Lys (NM_020920.4); short protein forms Q618K, Q897K.
Identifiers: ClinVar variation 3360886 (VCV003360886.1).